The following is an entry in ClinVar:

NM_024989.4(PGAP1):c.2100G>A (p.Leu700=)

Gene: PGAP1 (post-GPI attachment to proteins inositol deacylase 1; minus strand). Cytogenetic location: 2q33.1.
Variant type: single nucleotide variant.
Coding change: c.2100G>A on transcript NM_024989.4 (MANE Select); coding-DNA position 2100, G replaced by A.
Protein change: p.Leu700=; no amino-acid change (leucine 700 retained).
Molecular consequence: synonymous variant.
Genome position (GRCh38, 1-based): chr2:196,847,053, C>T on the plus strand (G>A on the coding strand, the complement: PGAP1 is on the minus strand). VCF-style: chr2-196847053-C-T. GRCh37 (hg19) VCF-style: chr2-197711777-C-T.
Other names: c.1578G>A, p.Leu526= (NM_001321099.2); c.933G>A, p.Leu311= (NM_001321100.2).
Identifiers: ClinVar variation 707023 (VCV000707023.35), dbSNP rs139927561, ClinGen allele CA2040717.

ClinVar aggregate classification (germline): Benign/Likely benign. Review status: criteria provided, multiple submitters, no conflicts (2 of 4 stars). 3 submissions from 3 submitters: Benign (1); Likely benign (1). 1 of the submissions does not count toward it. Last evaluated 2025-12-19.

Conditions:
PGAP1-related disorder. Also called: PGAP1-related condition.
Intellectual disability, autosomal recessive 42 (NEDDSBA). Also called: GLYCOSYLPHOSPHATIDYLINOSITOL BIOSYNTHESIS DEFECT 9; Neurodevelopmental disorder with dysmorphic features, spasticity, and brain abnormalities. Identifiers: Orphanet 88616, MedGen C4014343, MONDO:0014348, OMIM 615802.

Allele frequency attached by ClinVar (database versions not stated): gnomAD exomes 0.00035 and 0.00018; ESP Exome Variant Server 0.00038; TOPMed 0.00025; ExAC 0.00027; gnomAD 0.00032 and 0.00034.
gnomAD v4.1: 320 of 1,613,760 alleles (0.02%); highest among the groups gnomAD compares: South Asian, 0.061%; no homozygotes.

Submissions (3):

Labcorp Genetics (formerly Invitae), Labcorp
Classification: Benign for Intellectual disability, autosomal recessive 42. Last evaluated: 2025-12-19. Review status: criteria provided, single submitter. Criteria: Invitae Variant Classification Sherloc (09022015). Collection method: clinical testing. Allele origin: germline.

CeGaT Center for Human Genetics Tuebingen
Classification: Likely benign. Last evaluated: 2023-03-01. Review status: criteria provided, single submitter. Criteria: CeGaT Center For Human Genetics Tuebingen Variant Classification Criteria Version 2. Collection method: clinical testing. Allele origin: germline. Affected: yes. Observed: 1 variant allele.
Comment: PGAP1: BP4, BP7

PreventionGenetics, part of Exact Sciences
Classification: Likely benign for PGAP1-related condition. Last evaluated: 2019-09-18. Review status: no assertion criteria provided. Collection method: clinical testing. Allele origin: germline. Not counted in ClinVar's aggregate classification.
Comment: This variant is classified as likely benign based on ACMG/AMP sequence variant interpretation guidelines (Richards et al. 2015 PMID: 25741868, with internal and published modifications).